The following is an entry in ClinVar:

NM_003482.4(KMT2D):c.9377G>T (p.Gly3126Val)

Gene: KMT2D (lysine methyltransferase 2D; minus strand). Cytogenetic location: 12q13.12.
Variant type: single nucleotide variant.
Coding change: c.9377G>T on transcript NM_003482.4 (MANE Select); coding-DNA position 9377, G replaced by T.
Protein change: p.Gly3126Val; replaces glycine 3126 with valine.
Molecular consequence: missense variant.
Genome position (GRCh38, 1-based): chr12:49,037,979, C>A on the plus strand (G>T on the coding strand, the complement: KMT2D is on the minus strand). VCF-style: chr12-49037979-C-A. GRCh37 (hg19) VCF-style: chr12-49431762-C-A.
Other names: KABUK1; c.9377G>T (NM_003482.3); short protein forms G3126V.
Identifiers: ClinVar variation 1525426 (VCV001525426.7), dbSNP rs772418918, ClinGen allele CA6546703.

ClinVar aggregate classification (germline): Conflicting classifications of pathogenicity. Review status: criteria provided, conflicting classifications (1 of 4 stars). 2 submissions from 2 submitters: Uncertain significance (1); Benign (1). Last evaluated 2025-07-21.

Conditions:
Kabuki syndrome. Also called: NIIKAWA-KUROKI SYNDROME; Kabuki make-up syndrome. Identifiers: Orphanet 2322, MedGen C0796004, MONDO:0016512.
Kabuki syndrome 1 (KABUK1). Also called: KMT2D-Related Kabuki Syndrome. Identifiers: Orphanet 2322, MedGen CN030661, MONDO:0007843, OMIM 147920.

Allele frequency attached by ClinVar (database versions not stated): gnomAD exomes 0.00001 and 0.00002; ExAC 0.00003.
gnomAD v4.1: 11 of 1,600,814 alleles (0.00069%); highest among the groups gnomAD compares: Admixed American, 0.0069%; no homozygotes.

Submissions (2):

Labcorp Genetics (formerly Invitae), Labcorp
Classification: Benign for Kabuki syndrome. Last evaluated: 2025-07-21. Review status: criteria provided, single submitter. Criteria: Invitae Variant Classification Sherloc (09022015). Collection method: clinical testing. Allele origin: germline.

Laboratory of Prof. Karen Avraham, Tel Aviv University
Classification: Uncertain significance for Kabuki syndrome 1. Last evaluated: 2024-12-25. Review status: criteria provided, single submitter. Criteria: ACMG Guidelines, 2015. Collection method: research. Allele origin: germline. Affected: yes. Observed: 1 variant allele.
Comment: The KMT2D c.9377G>T:p.(Gly3126Val) heterozygous variant is very rare and predicted deleterious.